The following is an entry in ClinVar:

ClinVar aggregate classification (germline): Uncertain significance (1 of 4 stars; one submission).

Allele frequency attached by ClinVar (database versions not stated): gnomAD exomes below 0.00001; gnomAD 0.00001; TOPMed 0.00001.
gnomAD v4.1: 4 of 1,614,054 alleles (0.00025%); highest among the groups gnomAD compares: Admixed American, 0.005%; no homozygotes.

Submission:

Labcorp Genetics (formerly Invitae), Labcorp
Classification: Uncertain significance. Last evaluated: 2024-12-07. Review status: criteria provided, single submitter. Criteria: Invitae Variant Classification Sherloc (09022015). Collection method: clinical testing. Allele origin: germline.
Comment: This sequence change replaces methionine, which is neutral and non-polar, with isoleucine, which is neutral and non-polar, at codon 446 of the IGF1R protein (p.Met446Ile). This variant is present in population databases (no rsID available, gnomAD 0.006%). This variant has not been reported in the literature in individuals affected with IGF1R-related conditions. ClinVar contains an entry for this variant (Variation ID: 1903151). Invitae Evidence Modeling of protein sequence and biophysical properties (such as structural, functional, and spatial information, amino acid conservation, physicochemical variation, residue mobility, and thermodynamic stability) indicates that this missense variant is not expected to disrupt IGF1R protein function with a negative predictive value of 80%. In summary, the available evidence is currently insufficient to determine the role of this variant in disease. Therefore, it has been classified as a Variant of Uncertain Significance.

NM_000875.5(IGF1R):c.1338G>A (p.Met446Ile)

Gene: IGF1R (insulin like growth factor 1 receptor; plus strand). Cytogenetic location: 15q26.3.
Variant type: single nucleotide variant.
Coding change: c.1338G>A on transcript NM_000875.5 (MANE Select); coding-DNA position 1338, G replaced by A.
Protein change: p.Met446Ile; replaces methionine 446 with isoleucine.
Molecular consequence: missense variant.
Genome position (GRCh38, 1-based): chr15:98,908,775, G>A. VCF-style: chr15-98908775-G-A. GRCh37 (hg19) VCF-style: chr15-99452004-G-A.
Other names: c.1338G>A, p.Met446Ile (NM_001291858.2); short protein forms M446I.
Identifiers: ClinVar variation 1903151 (VCV001903151.5), dbSNP rs1369186335, ClinGen allele CA393675431.